The following is an entry in ClinVar:

NM_032043.3(BRIP1):c.2459A>C (p.Gln820Pro)

Gene: BRIP1 (BRCA1 interacting DNA helicase 1; minus strand). Cytogenetic location: 17q23.2.
Variant type: single nucleotide variant.
Coding change: c.2459A>C on transcript NM_032043.3 (MANE Select); coding-DNA position 2459, A replaced by C.
Protein change: p.Gln820Pro; replaces glutamine 820 with proline.
Molecular consequence: missense variant.
Genome position (GRCh38, 1-based): chr17:61,715,984, T>G on the plus strand (A>C on the coding strand, the complement: BRIP1 is on the minus strand). VCF-style: chr17-61715984-T-G. GRCh37 (hg19) VCF-style: chr17-59793345-T-G.
Other names: short protein forms Q820P.
Identifiers: ClinVar variation 2626767 (VCV002626767.2), dbSNP rs2144380329, ClinGen allele CA400479521.

ClinVar aggregate classification (germline): Uncertain significance (1 of 4 stars; one submission).

Conditions:
Familial cancer of breast. Also called: BREAST CANCER, FAMILIAL; Hereditary breast cancer; hereditary breast carcinoma. Identifiers: Orphanet 227535, MedGen C0346153, MONDO:0016419, OMIM 114480. Disease mechanism: loss of function.

Submission:

KCCC/NGS Laboratory, Kuwait Cancer Control Center
Classification: Uncertain significance for Familial cancer of breast. Last evaluated: 2023-10-24. Review status: criteria provided, single submitter. Criteria: ACMG Guidelines, 2015. Collection method: clinical testing. Allele origin: germline. Inheritance: Autosomal dominant inheritance. Affected: yes. Observed: 1 heterozygote.
Comment: This sequence change replaces glutamine is replaced by proline at codon 820 located in exon 17 of the BRIP1 gene . This Variant not found in gnomAD genomes. This amino acid position is conserved ( PhyloP= 7.47) . In addition, this alteration is predicted to be deleterious by in silico analysis. This variant has not been previously observed . ClinVar contains an entry for another variant at position c.2459A>T (Variation ID: 2564590) with 1 submissions of which describe it as of uncertain significance. There are no published functional studies concerning this variant as fa as we know. Therefore, it has been classified as a Variant of Uncertain Significance.